The following is an entry in ClinVar:

ClinVar aggregate classification (germline): Uncertain significance. Review status: criteria provided, multiple submitters, no conflicts (2 of 4 stars). 3 submissions from 3 submitters: Uncertain significance (3). Last evaluated 2025-01-31.

Conditions:
Adams-Oliver syndrome 5 (AOS5). Identifiers: Orphanet 974, MedGen C4014970, MONDO:0014459, OMIM 616028.
Familial thoracic aortic aneurysm and aortic dissection (TAAD). Also called: Thoracic aortic aneurysms and dissections. Identifiers: Orphanet 91387, MedGen C4707243, MONDO:0019625.

Allele frequency attached by ClinVar (database versions not stated): gnomAD exomes below 0.00001; ExAC 0.00001.
gnomAD v4.1: 3 of 1,613,088 alleles (0.00019%); highest among the groups gnomAD compares: Non-Finnish European, 0.00017%; no homozygotes.

Submissions (3):

Ambry Genetics
Classification: Uncertain significance for Familial thoracic aortic aneurysm and aortic dissection. Last evaluated: 2025-01-31. Review status: criteria provided, single submitter. Criteria: Ambry Variant Classification Scheme 2023. Collection method: clinical testing. Allele origin: germline.
Comment: The p.A950V variant (also known as c.2849C>T), located in coding exon 18 of the NOTCH1 gene, results from a C to T substitution at nucleotide position 2849. The alanine at codon 950 is replaced by valine, an amino acid with similar properties. This amino acid position is conserved. In addition, this alteration is predicted to be tolerated by in silico analysis. Based on the available evidence, the clinical significance of this variant remains unclear.

GeneDx
Classification: Uncertain significance. Last evaluated: 2023-04-24. Review status: criteria provided, single submitter. Criteria: GeneDx Variant Classification Process June 2021. Collection method: clinical testing. Allele origin: germline. Affected: yes.
Comment: Has not been previously published as pathogenic or benign to our knowledge; Not observed at significant frequency in large population cohorts (gnomAD); In silico analysis supports that this missense variant does not alter protein structure/function

Labcorp Genetics (formerly Invitae), Labcorp
Classification: Uncertain significance for Adams-Oliver syndrome 5. Last evaluated: 2019-08-11. Review status: criteria provided, single submitter. Criteria: Invitae Variant Classification Sherloc (09022015). Collection method: clinical testing. Allele origin: germline.
Comment: In summary, the available evidence is currently insufficient to determine the role of this variant in disease. Therefore, it has been classified as a Variant of Uncertain Significance. Algorithms developed to predict the effect of missense changes on protein structure and function (SIFT, PolyPhen-2, Align-GVGD) all suggest that this variant is likely to be tolerated, but these predictions have not been confirmed by published functional studies and their clinical significance is uncertain. This variant has not been reported in the literature in individuals with NOTCH1-related conditions. This variant is present in population databases (rs777658333, ExAC 0.002%). This sequence change replaces alanine with valine at codon 950 of the NOTCH1 protein (p.Ala950Val). The alanine residue is highly conserved and there is a small physicochemical difference between alanine and valine.

NM_017617.5(NOTCH1):c.2849C>T (p.Ala950Val)

Gene: NOTCH1 (notch receptor 1; minus strand). Cytogenetic location: 9q34.3.
Variant type: single nucleotide variant.
Coding change: c.2849C>T on transcript NM_017617.5 (MANE Select); coding-DNA position 2849, C replaced by T.
Protein change: p.Ala950Val; replaces alanine 950 with valine.
Molecular consequence: missense variant.
Genome position (GRCh38, 1-based): chr9:136,509,853, G>A on the plus strand (C>T on the coding strand, the complement: NOTCH1 is on the minus strand). VCF-style: chr9-136509853-G-A. GRCh37 (hg19) VCF-style: chr9-139404305-G-A.
Other names: short protein forms A950V.
Identifiers: ClinVar variation 940134 (VCV000940134.11), dbSNP rs777658333, ClinGen allele CA5341134.